The following is an entry in ClinVar:

NM_005619.5(RTN2):c.977C>T (p.Ser326Phe)

Genes: OPA3-RTN2 (OPA3-RTN2 readthrough; minus strand), RTN2 (reticulon 2; minus strand). Cytogenetic location: 19q13.32.
Variant type: single nucleotide variant.
Coding change: c.977C>T on transcript NM_005619.5 (MANE Select); coding-DNA position 977, C replaced by T.
Protein change: p.Ser326Phe; replaces serine 326 with phenylalanine.
Molecular consequence: missense variant. On other transcripts: 5 prime UTR variant (1), intron variant (1).
Genome position (GRCh38, 1-based): chr19:45,493,216, G>A on the plus strand (C>T on the coding strand, the complement: RTN2 is on the minus strand). VCF-style: chr19-45493216-G-A. GRCh37 (hg19) VCF-style: chr19-45996474-G-A.
Other names: c.-44C>T (NM_206901.3); c.814+950C>T (NM_206900.3); short protein forms S326F.
Identifiers: ClinVar variation 3690208 (VCV003690208.2).
Genomic context (GRCh38, chr19:45,493,216, plus strand): 5'-CCACCTTTACTCCCCATATCGGCTCCGAGTGAGAGGCTGGGGACACCGCTGCTTCTCGGG[G>A]ATTTTGCCCACTTCAGTAGAACCCGGAGGACAGGAGTAGGGGGGGTGGGGCCCCTTTGGA-3'
Protein context (NP_005610.1, residues 316-336): VLRVLLKWAK[Ser326Phe]PRSSGVPSLS

ClinVar aggregate classification (germline): Uncertain significance (1 of 4 stars; one submission).

Conditions:
Spastic paraplegia. Identifiers: MedGen C0037772, HP:0001258.

gnomAD v4.1: 1 of 1,613,642 alleles (0.000062%); highest among the groups gnomAD compares: Non-Finnish European, 0.000085%; no homozygotes.

Submission:

Labcorp Genetics (formerly Invitae), Labcorp
Classification: Uncertain significance for Spastic paraplegia. Last evaluated: 2025-02-13. Review status: criteria provided, single submitter. Criteria: Invitae Variant Classification Sherloc (09022015). Collection method: clinical testing. Allele origin: germline.
Comment: This sequence change replaces serine, which is neutral and polar, with phenylalanine, which is neutral and non-polar, at codon 326 of the RTN2 protein (p.Ser326Phe). This variant is not present in population databases (gnomAD no frequency). This variant has not been reported in the literature in individuals affected with RTN2-related conditions. An algorithm developed to predict the effect of missense changes on protein structure and function (PolyPhen-2) suggests that this variant is likely to be tolerated. In summary, the available evidence is currently insufficient to determine the role of this variant in disease. Therefore, it has been classified as a Variant of Uncertain Significance.